The following is an entry in ClinVar:

ClinVar aggregate classification (germline): Pathogenic (1 of 4 stars; one submission).

Conditions:
Amelocerebrohypohidrotic syndrome (KTZS). Also called: Kohlschutter's syndrome; EPILEPSY AND YELLOW TEETH; EPILEPSY, DEMENTIA, AND AMELOGENESIS IMPERFECTA; KOHLSCHUTTER SYNDROME. Identifiers: Orphanet 1946, MedGen C0406740, MONDO:0009185, OMIM 226750.

gnomAD v4.1: 1 of 1,614,026 alleles (0.000062%); no homozygotes.

Submission:

Labcorp Genetics (formerly Invitae), Labcorp
Classification: Pathogenic for Amelocerebrohypohidrotic syndrome. Last evaluated: 2021-02-15. Review status: criteria provided, single submitter. Criteria: Invitae Variant Classification Sherloc (09022015). Collection method: clinical testing. Allele origin: germline.
Comment: This sequence change creates a premature translational stop signal (p.Gln205*) in the ROGDI gene. It is expected to result in an absent or disrupted protein product. Loss-of-function variants in ROGDI are known to be pathogenic (PMID: 22424600, 23086778). For these reasons, this variant has been classified as Pathogenic. This variant has not been reported in the literature in individuals with ROGDI-related conditions. This variant is not present in population databases (ExAC no frequency).

Literature cited by the submitters: PubMed 22424600; PubMed 23086778.

NM_024589.3(ROGDI):c.613C>T (p.Gln205Ter)

Gene: ROGDI (rogdi atypical leucine zipper; minus strand). Cytogenetic location: 16p13.3.
Variant type: single nucleotide variant.
Coding change: c.613C>T on transcript NM_024589.3 (MANE Select); coding-DNA position 613, C replaced by T.
Protein change: p.Gln205Ter; replaces glutamine 205 with a stop codon.
Molecular consequence: nonsense. On other transcripts: non-coding transcript variant (1).
Genome position (GRCh38, 1-based): chr16:4,798,103, G>A on the plus strand (C>T on the coding strand, the complement: ROGDI is on the minus strand). VCF-style: chr16-4798103-G-A. GRCh37 (hg19) VCF-style: chr16-4848104-G-A.
Other names: short protein forms Q205*.
Identifiers: ClinVar variation 1454706 (VCV001454706.6), dbSNP rs780059442, ClinGen allele CA394650129.